The following is an entry in ClinVar:

ClinVar aggregate classification (germline): Uncertain significance. Review status: criteria provided, multiple submitters, no conflicts (2 of 4 stars). 2 submissions from 2 submitters: Uncertain significance (2). Last evaluated 2025-06-29.

Allele frequency attached by ClinVar (database versions not stated): ExAC 0.00001; ESP Exome Variant Server 0.00009; TOPMed 0.00003; gnomAD 0.00005; gnomAD exomes 0.00005.
gnomAD v4.1: 60 of 1,209,260 alleles (0.005%); highest among the groups gnomAD compares: Non-Finnish European, 0.0064%; no homozygotes.

Submissions (2):

Labcorp Genetics (formerly Invitae), Labcorp
Classification: Uncertain significance. Last evaluated: 2025-06-29. Review status: criteria provided, single submitter. Criteria: Invitae Variant Classification Sherloc (09022015). Collection method: clinical testing. Allele origin: germline.
Comment: This sequence change replaces valine, which is neutral and non-polar, with methionine, which is neutral and non-polar, at codon 13 of the ALAS2 protein (p.Val13Met). This variant is present in population databases (rs374128234, gnomAD 0.006%). This variant has not been reported in the literature in individuals affected with ALAS2-related conditions. ClinVar contains an entry for this variant (Variation ID: 2690873). Invitae Evidence Modeling of protein sequence and biophysical properties (such as structural, functional, and spatial information, amino acid conservation, physicochemical variation, residue mobility, and thermodynamic stability) indicates that this missense variant is not expected to disrupt ALAS2 protein function with a negative predictive value of 95%. In summary, the available evidence is currently insufficient to determine the role of this variant in disease. Therefore, it has been classified as a Variant of Uncertain Significance.

Revvity Omics, Revvity
Classification: Uncertain significance. Last evaluated: 2023-04-12. Review status: criteria provided, single submitter. Criteria: ACMG Guidelines, 2015. Collection method: clinical testing. Allele origin: germline.

NM_000032.5(ALAS2):c.37G>A (p.Val13Met)

Genes: ALAS2 (5'-aminolevulinate synthase 2; minus strand), LOC108663984 (ALAS2 intron 1 and 3 erythroid regulatory elements; plus strand). Cytogenetic location: Xp11.21.
Variant type: single nucleotide variant.
Coding change: c.37G>A on transcript NM_000032.5 (MANE Select); coding-DNA position 37, G replaced by A.
Protein change: p.Val13Met; replaces valine 13 with methionine.
Molecular consequence: missense variant.
Genome position (GRCh38, 1-based): chrX:55,025,964, C>T on the plus strand (G>A on the coding strand, the complement: ALAS2 is on the minus strand). VCF-style: chrX-55025964-C-T. GRCh37 (hg19) VCF-style: chrX-55052397-C-T.
Other names: c.37G>A, p.Val13Met (NM_001037967.4); c.109G>A, p.Val37Met (NM_001037968.4); short protein forms V13M, V37M.
Identifiers: ClinVar variation 2690873 (VCV002690873.5), dbSNP rs374128234, ClinGen allele CA10428486.
Genomic context (GRCh38, chrX:55,025,964, plus strand): 5'-ACAGGAACTGGTGAGTCTTAACCACCTTGCCTAGGAGGCTTGTGGGGCCCCGGGCAAGCA[C>T]TGGGCAGCACTGTAGCAGCATGGCTGCAGTCACCATCTTGAACCTAAAGTCCTGCAGAAG-3'
Protein context (NP_000023.2, residues 3-23): TAAMLLQCCP[Val13Met]LARGPTSLLG